The following is an entry in ClinVar:

NM_000341.4(SLC3A1):c.1227C>G (p.Phe409Leu)

Gene: SLC3A1 (solute carrier family 3 member 1; plus strand). Cytogenetic location: 2p21.
Variant type: single nucleotide variant.
Coding change: c.1227C>G on transcript NM_000341.4 (MANE Select); coding-DNA position 1227, C replaced by G.
Protein change: p.Phe409Leu; replaces phenylalanine 409 with leucine.
Molecular consequence: missense variant.
Genome position (GRCh38, 1-based): chr2:44,304,233, C>G. VCF-style: chr2-44304233-C-G. GRCh37 (hg19) VCF-style: chr2-44531372-C-G.
Other names: short protein forms F409L.
Identifiers: ClinVar variation 3768240 (VCV003768240.1).

ClinVar aggregate classification (germline): Uncertain significance (1 of 4 stars; one submission).

Submission:

Women's Health and Genetics/Laboratory Corporation of America, LabCorp
Classification: Uncertain significance. Last evaluated: 2024-12-05. Review status: criteria provided, single submitter. Criteria: LabCorp Variant Classification Summary - May 2015. Collection method: clinical testing. Allele origin: germline.
Comment: Variant summary: SLC3A1 c.1227C>G (p.Phe409Leu) results in a non-conservative amino acid change in the encoded protein sequence. Three of five in-silico tools predict a damaging effect of the variant on protein function. The variant was absent in 251420 control chromosomes. The available data on variant occurrences in the general population are insufficient to allow any conclusion about variant significance. c.1227C>G has been reported in the literature in individuals affected with Cystinuria (Shen_2017). These report(s) do not provide unequivocal conclusions about association of the variant with Cystinuria. To our knowledge, no experimental evidence demonstrating an impact on protein function has been reported. The following publication have been ascertained in the context of this evaluation (PMID: 28689648). No submitters have cited clinical-significance assessments for this variant to ClinVar. Based on the evidence outlined above, the variant was classified as uncertain significance.

Literature cited by the submitters: PubMed 28689648.